The following is an entry in ClinVar:

NM_000027.4(AGA):c.34G>C (p.Val12Leu)

Gene: AGA (aspartylglucosaminidase; minus strand). Cytogenetic location: 4q34.3.
Variant type: single nucleotide variant.
Coding change: c.34G>C on transcript NM_000027.4 (MANE Select); coding-DNA position 34, G replaced by C.
Protein change: p.Val12Leu; replaces valine 12 with leucine.
Molecular consequence: missense variant. On other transcripts: non-coding transcript variant (1).
Genome position (GRCh38, 1-based): chr4:177,442,342, C>G on the plus strand (G>C on the coding strand, the complement: AGA is on the minus strand). VCF-style: chr4-177442342-C-G. GRCh37 (hg19) VCF-style: chr4-178363496-C-G.
Other names: c.34G>C, p.Val12Leu (NM_001171988.2); short protein forms V12L.
Identifiers: ClinVar variation 971157 (VCV000971157.10), dbSNP rs74626221, ClinGen allele CA3147072.

ClinVar aggregate classification (germline): Uncertain significance. Review status: criteria provided, single submitter (1 of 4 stars). 2 submissions from 2 submitters: Uncertain significance (1). 1 of the submissions does not count toward it. Last evaluated 2021-08-12.

Conditions:
Aspartylglucosaminuria (AGU). Also called: GLYCOASPARAGINASE; GLYCOSYLASPARAGINASE DEFICIENCY; AGA DEFICIENCY; Aspartylglucos-aminuria; Aspartylglucos-amidase (AGA) deficiency. Identifiers: Orphanet 93, MedGen C0268225, MONDO:0008830, OMIM 208400, HP:0012068.

Allele frequency attached by ClinVar (database versions not stated): TOPMed 0.00006.
gnomAD v4.1: 28 of 1,614,004 alleles (0.0017%); highest among the groups gnomAD compares: African/African-American, 0.031%; no homozygotes.

Submissions (2):

Labcorp Genetics (formerly Invitae), Labcorp
Classification: Uncertain significance for Aspartylglucosaminuria. Last evaluated: 2021-08-12. Review status: criteria provided, single submitter. Criteria: Invitae Variant Classification Sherloc (09022015). Collection method: clinical testing. Allele origin: germline.
Comment: This sequence change replaces valine with leucine at codon 12 of the AGA protein (p.Val12Leu). The valine residue is weakly conserved and there is a small physicochemical difference between valine and leucine. This variant is present in population databases (rs74626221, ExAC 0.02%). This missense change has been observed in individual(s) with clinical features of AGA-related conditions (PMID: 11309371). ClinVar contains an entry for this variant (Variation ID: 971157). Algorithms developed to predict the effect of missense changes on protein structure and function output the following: SIFT: "Tolerated"; PolyPhen-2: "Benign"; Align-GVGD: "Class C0". The leucine amino acid residue is found in multiple mammalian species, which suggests that this missense change does not adversely affect protein function. In summary, the available evidence is currently insufficient to determine the role of this variant in disease. Therefore, it has been classified as a Variant of Uncertain Significance.

Natera, Inc.
Classification: Uncertain significance for Aspartylglucosaminuria. Last evaluated: 2021-07-26. Review status: no assertion criteria provided. Collection method: clinical testing. Allele origin: germline. Not counted in ClinVar's aggregate classification.

Literature cited by the submitters: PubMed 11309371 (cited by Labcorp Genetics (formerly Invitae), Labcorp).